The following is an entry in ClinVar:

NM_004036.5(ADCY3):c.35A>G (p.Tyr12Cys)

Gene: ADCY3 (adenylate cyclase 3; minus strand). Cytogenetic location: 2p23.3.
Variant type: single nucleotide variant.
Coding change: c.35A>G on transcript NM_004036.5 (MANE Select); coding-DNA position 35, A replaced by G.
Protein change: p.Tyr12Cys; replaces tyrosine 12 with cysteine.
Molecular consequence: missense variant.
Genome position (GRCh38, 1-based): chr2:24,918,953, T>C on the plus strand (A>G on the coding strand, the complement: ADCY3 is on the minus strand). VCF-style: chr2-24918953-T-C. GRCh37 (hg19) VCF-style: chr2-25141822-T-C.
Other names: c.35A>G, p.Tyr12Cys (NM_001320613.2, NM_001377128.1, NM_001377129.1 and 2 more transcripts); c.35A>G (NM_004036.3); short protein forms Y12C.
Identifiers: ClinVar variation 3357187 (VCV003357187.2).
Genomic context (GRCh38, chr2:24,918,953, plus strand): 5'-ACCCCGCGGTCAGGGTCGGAGGGCAGGCTGACGGAGTACTCGGCTGAGTACTCGGCCGAG[T>C]ATTCGGGCTCGGAGAAGCCCTGGTTCCTCGGCATACTGGCTGGTGTCTGCTACTGGCCCT-3'
Protein context (NP_004027.2, residues 2-22): PRNQGFSEPE[Tyr12Cys]SAEYSAEYSV

ClinVar aggregate classification (germline): Uncertain significance. Review status: criteria provided, single submitter (1 of 4 stars). 2 submissions from 2 submitters: Uncertain significance (1). 1 of the submissions does not count toward it. Last evaluated 2025-08-13.

Conditions:
ADCY3-related disorder. Also called: ADCY3-related condition.
Inborn genetic diseases. Identifiers: MedGen C0950123, MeSH D030342.

Submissions (2):

Ambry Genetics
Classification: Uncertain significance for Inborn genetic diseases. Last evaluated: 2025-08-13. Review status: criteria provided, single submitter. Criteria: Ambry Variant Classification Scheme 2023. Collection method: clinical testing. Allele origin: germline.

PreventionGenetics, part of Exact Sciences
Classification: Uncertain significance for ADCY3-related condition. Last evaluated: 2024-03-28. Review status: no assertion criteria provided. Collection method: clinical testing. Allele origin: germline. Not counted in ClinVar's aggregate classification.
Comment: The ADCY3 c.35A>G variant is predicted to result in the amino acid substitution p.Tyr12Cys. To our knowledge, this variant has not been reported in the literature. This variant is reported in 0.0034% of alleles in individuals of South Asian descent in gnomAD. At this time, the clinical significance of this variant is uncertain due to the absence of conclusive functional and genetic evidence.